The following is an entry in ClinVar:

ClinVar aggregate classification (germline): Conflicting classifications of pathogenicity. Review status: criteria provided, conflicting classifications (1 of 4 stars). 3 submissions from 3 submitters: Likely pathogenic (1); Uncertain significance (2). Last evaluated 2020-01-16.

Conditions:
Arrhythmogenic right ventricular dysplasia 9 (ARVD9). Also called: Arrhythmogenic Right Ventricular Dysplasia/Cardiomyopathy 9; ARRHYTHMOGENIC RIGHT VENTRICULAR DYSPLASIA, FAMILIAL, 9. Identifiers: MedGen C1836906, MONDO:0012180, OMIM 609040.
Cardiovascular phenotype. Identifiers: MedGen CN230736.

Submissions (3):

GeneDx
Classification: Likely pathogenic. Last evaluated: 2020-01-16. Review status: criteria provided, single submitter. Criteria: GeneDx Variant Classification Process June 2021. Collection method: clinical testing. Allele origin: germline. Affected: yes.
Comment: Intronic +5 splice site variant in a gene for which loss-of-function is a known mechanism of disease, and both in silico predictors and evolutionary conservation support a deleterious effect; Not observed in large population cohorts (Lek et al., 2016); Has not been previously published as pathogenic or benign to our knowledge; This variant is associated with the following publications: (PMID: 20573160)

Labcorp Genetics (formerly Invitae), Labcorp
Classification: Uncertain significance for Arrhythmogenic right ventricular dysplasia 9. Last evaluated: 2019-06-22. Review status: criteria provided, single submitter. Criteria: Invitae Variant Classification Sherloc (09022015). Collection method: clinical testing. Allele origin: germline.
Comment: In summary, the available evidence is currently insufficient to determine the role of this variant in disease. Therefore, it has been classified as a Variant of Uncertain Significance. Nucleotide substitutions within the consensus splice site are a relatively common cause of aberrant splicing (PMID: 17576681, 9536098). Algorithms developed to predict the effect of sequence changes on RNA splicing suggest that this variant may disrupt the consensus splice site, but this prediction has not been confirmed by published transcriptional studies. This variant has not been reported in the literature in individuals with PKP2-related disease. ClinVar contains an entry for this variant (Variation ID: 432656). This variant is not present in population databases (ExAC no frequency). This sequence change falls in intron 12 of the PKP2 gene. It does not directly change the encoded amino acid sequence of the PKP2 protein, but it affects a nucleotide within the consensus splice site of the intron.

Ambry Genetics
Classification: Uncertain significance for Cardiovascular phenotype. Last evaluated: 2015-12-26. Review status: criteria provided, single submitter. Criteria: Ambry Variant Classification Scheme 2023. Collection method: clinical testing. Allele origin: germline.
Comment: The c.2489+5G>A intronic variant results from a G to A substitution 5 nucleotides after coding exon 12 of the PKP2 gene. This nucleotide position is highly conserved in available vertebrate species. Based on the BDGP and Human Splicing Finder (HSF) splice site prediction tools, this variant is expected to weaken the native splice donor site efficiency; however, direct experimental evidence is not available (Desmet FO et al. Nucleic Acids Res. 2009 May;37:e67). This variant has not been described in the literature to date; however, a nearby intronic alteration, c.2489+4A>C, has been reported in Dutch families with arrhythmogenic right ventricular dysplasia/cardiomyopathy (ARVD/C), and haplotype and mRNA analyses suggest a possible founder mutation with aberrant splicing (van der Zwaag PA et al. Clin Genet. 2011;79:459-67; van der Smagt JJ et al. Cardiology. 2012;123:181-9). Since supporting evidence is limited at this time, the clinical significance of c.2489+5G>A remains unclear.

Literature cited by the submitters: PubMed 17576681 (cited by Labcorp Genetics (formerly Invitae), Labcorp); PubMed 9536098 (cited by Labcorp Genetics (formerly Invitae), Labcorp); PubMed 20573160 (cited by Ambry Genetics).

NM_001005242.3(PKP2):c.2357+5G>A

Gene: PKP2 (plakophilin 2; minus strand). Cytogenetic location: 12p11.21.
Variant type: single nucleotide variant.
Coding change: c.2357+5G>A on transcript NM_001005242.3 (MANE Select); 5 bases into the intron after coding-DNA position 2357, G replaced by A.
Molecular consequence: intron variant.
Genome position (GRCh38, 1-based): chr12:32,796,104, C>T on the plus strand (G>A on the coding strand, the complement: PKP2 is on the minus strand). VCF-style: chr12-32796104-C-T. GRCh37 (hg19) VCF-style: chr12-32949038-C-T.
Other names: c.2489+5G>A (NM_004572.4).
Identifiers: ClinVar variation 432656 (VCV000432656.15), dbSNP rs1555141020, ClinGen allele CA645372908.
Genomic context (GRCh38, chr12:32,796,104, plus strand): 5'-ATTATTTACACACAGGCTGGTGAGGGGAAAGGGAGGCAGCTGACGGGCAGAACTGAAGGA[C>T]TTACGCATCGCCTGCACTAATGGCCATAATTTTCTGGATGCCCCCGGTGTTTAGAAGGTC-3'